The following is an entry in ClinVar:

ClinVar aggregate classification (germline): Pathogenic. Review status: criteria provided, multiple submitters, no conflicts (2 of 4 stars). 2 submissions from 2 submitters: Pathogenic (2). Last evaluated 2025-06-11.

Conditions:
Familial cancer of breast. Also called: BREAST CANCER, FAMILIAL; hereditary breast carcinoma; Hereditary breast cancer. Identifiers: Orphanet 227535, MedGen C0346153, MONDO:0016419, OMIM 114480. Disease mechanism: loss of function.
Fanconi anemia complementation group J. Also called: BRIP1-Related Fanconi Anemia. Identifiers: Orphanet 84, MedGen C1836860, MONDO:0012187, OMIM 609054.

Submissions (2):

Myriad Genetics, Inc.
Classification: Pathogenic for Familial cancer of breast. Last evaluated: 2025-06-11. Review status: criteria provided, single submitter. Criteria: Myriad Autosomal Dominant, Autosomal Recessive and X-Linked Classification Criteria (2023). Collection method: clinical testing. Allele origin: unknown.
Comment: This variant is considered pathogenic. This variant creates a termination codon and is predicted to result in premature protein truncation.

Labcorp Genetics (formerly Invitae), Labcorp
Classification: Pathogenic for Familial cancer of breast; Fanconi anemia complementation group J. Last evaluated: 2022-09-01. Review status: criteria provided, single submitter. Criteria: Invitae Variant Classification Sherloc (09022015). Collection method: clinical testing. Allele origin: germline.
Comment: This premature translational stop signal has been observed in individual(s) with prostate cancer (PMID: 31214711). For these reasons, this variant has been classified as Pathogenic. This variant is not present in population databases (gnomAD no frequency). This sequence change creates a premature translational stop signal (p.Trp558*) in the BRIP1 gene. It is expected to result in an absent or disrupted protein product. Loss-of-function variants in BRIP1 are known to be pathogenic (PMID: 16116423, 17033622, 21964575).

Literature cited by the submitters: PubMed 31214711 (cited by Labcorp Genetics (formerly Invitae), Labcorp); PubMed 16116423 (cited by Labcorp Genetics (formerly Invitae), Labcorp); PubMed 17033622 (cited by Labcorp Genetics (formerly Invitae), Labcorp); PubMed 21964575 (cited by Labcorp Genetics (formerly Invitae), Labcorp).

NM_032043.3(BRIP1):c.1673G>A (p.Trp558Ter)

Gene: BRIP1 (BRCA1 interacting DNA helicase 1; minus strand). Cytogenetic location: 17q23.2.
Variant type: single nucleotide variant.
Coding change: c.1673G>A on transcript NM_032043.3 (MANE Select); coding-DNA position 1673, G replaced by A.
Protein change: p.Trp558Ter; replaces tryptophan 558 with a stop codon.
Molecular consequence: nonsense.
Genome position (GRCh38, 1-based): chr17:61,780,961, C>T on the plus strand (G>A on the coding strand, the complement: BRIP1 is on the minus strand). VCF-style: chr17-61780961-C-T. GRCh37 (hg19) VCF-style: chr17-59858322-C-T.
Other names: short protein forms W558*.
Identifiers: ClinVar variation 2028444 (VCV002028444.5), dbSNP rs2145095957, ClinGen allele CA400480498.
Genomic context (GRCh38, chr17:61,780,961, plus strand): 5'-TTCTTATTTTTTGGTAGAACCAACAACCCATTTTTGTCTGAAATATCAATCTGATTTGTC[C>T]AGGAGTAAGTCTGTTGAATCGCAATTTTATAATCATCTGCAAATCTAGATGCAAAGAAAG-3'